The following is an entry in ClinVar:

ClinVar aggregate classification (germline): Likely benign (0 of 4 stars; one submission).

Conditions:
SLC29A1-related disorder. Also called: SLC29A1-related condition.

Submission:

PreventionGenetics, part of Exact Sciences
Classification: Likely benign for SLC29A1-related condition. Last evaluated: 2023-06-01. Review status: no assertion criteria provided. Collection method: clinical testing. Allele origin: germline.
Comment: This variant is classified as likely benign based on ACMG/AMP sequence variant interpretation guidelines (Richards et al. 2015 PMID: 25741868, with internal and published modifications).

NM_001304462.2(SLC29A1):c.87-8T>A

Gene: SLC29A1 (solute carrier family 29 member 1 (Augustine blood group); plus strand). Cytogenetic location: 6p21.1.
Variant type: single nucleotide variant.
Coding change: c.87-8T>A on transcript NM_001304462.2; 8 bases into the intron before coding-DNA position 87, T replaced by A.
Molecular consequence: intron variant.
Genome position (GRCh38, 1-based): chr6:44,221,578, T>A. VCF-style: chr6-44221578-T-A. GRCh37 (hg19) VCF-style: chr6-44189315-T-A.
Other names: c.24+1796T>A (NM_001304465.2, NM_001304466.2).
Identifiers: ClinVar variation 3044005 (VCV003044005.2), dbSNP rs1776428947, ClinGen allele CA1088435898.